The following is an entry in ClinVar:

NM_004304.5(ALK):c.654G>C (p.Gln218His)

Gene: ALK (ALK receptor tyrosine kinase; minus strand). Cytogenetic location: 2p23.1.
Variant type: single nucleotide variant.
Coding change: c.654G>C on transcript NM_004304.5 (MANE Select); coding-DNA position 654, G replaced by C.
Protein change: p.Gln218His; replaces glutamine 218 with histidine.
Molecular consequence: missense variant.
Genome position (GRCh38, 1-based): chr2:29,920,006, C>G on the plus strand (G>C on the coding strand, the complement: ALK is on the minus strand). VCF-style: chr2-29920006-C-G. GRCh37 (hg19) VCF-style: chr2-30142872-C-G.
Other names: short protein forms Q218H.
Identifiers: ClinVar variation 2862579 (VCV002862579.3), dbSNP rs2465864624, ClinGen allele CA346589605.

ClinVar aggregate classification (germline): Uncertain significance (1 of 4 stars; one submission).

Conditions:
Neuroblastoma, susceptibility to, 3. Also called: ALK-Related Neuroblastic Tumor Susceptibility. Identifiers: Orphanet 635, MedGen C2751681, MONDO:0013083, OMIM 613014.

Submission:

Labcorp Genetics (formerly Invitae), Labcorp
Classification: Uncertain significance for Neuroblastoma, susceptibility to, 3. Last evaluated: 2025-02-13. Review status: criteria provided, single submitter. Criteria: Invitae Variant Classification Sherloc (09022015). Collection method: clinical testing. Allele origin: germline.
Comment: This sequence change replaces glutamine, which is neutral and polar, with histidine, which is basic and polar, at codon 218 of the ALK protein (p.Gln218His). This variant is not present in population databases (gnomAD no frequency). This variant has not been reported in the literature in individuals affected with ALK-related conditions. ClinVar contains an entry for this variant (Variation ID: 2862579). An algorithm developed to predict the effect of missense changes on protein structure and function (PolyPhen-2) suggests that this variant is likely to be tolerated. In summary, the available evidence is currently insufficient to determine the role of this variant in disease. Therefore, it has been classified as a Variant of Uncertain Significance.